The following is an entry in ClinVar:

NM_004211.5(SLC6A5):c.854T>C (p.Ile285Thr)

Gene: SLC6A5 (solute carrier family 6 member 5; plus strand). Cytogenetic location: 11p15.1.
Variant type: single nucleotide variant.
Coding change: c.854T>C on transcript NM_004211.5 (MANE Select); coding-DNA position 854, T replaced by C.
Protein change: p.Ile285Thr; replaces isoleucine 285 with threonine.
Molecular consequence: missense variant.
Genome position (GRCh38, 1-based): chr11:20,607,521, T>C. VCF-style: chr11-20607521-T-C. GRCh37 (hg19) VCF-style: chr11-20629067-T-C.
Other names: c.152T>C, p.Ile51Thr (NM_001318369.2); short protein forms I285T, I51T.
Identifiers: ClinVar variation 2092249 (VCV002092249.4), dbSNP rs1480155146, ClinGen allele CA379914010.

ClinVar aggregate classification (germline): Uncertain significance (1 of 4 stars; one submission).

Conditions:
Hyperekplexia 3 (HKPX3). Also called: HYPEREKPLEXIA 3, AUTOSOMAL RECESSIVE; HYPEREKPLEXIA 3, AUTOSOMAL DOMINANT. Identifiers: Orphanet 3197, MedGen C3553288, MONDO:0013827, OMIM 614618.

Allele frequency attached by ClinVar (database versions not stated): gnomAD exomes 0.00001.
gnomAD v4.1: 5 of 1,614,206 alleles (0.00031%); highest among the groups gnomAD compares: South Asian, 0.0044%; no homozygotes.

Submission:

Labcorp Genetics (formerly Invitae), Labcorp
Classification: Uncertain significance for Hyperekplexia 3. Last evaluated: 2022-02-03. Review status: criteria provided, single submitter. Criteria: Invitae Variant Classification Sherloc (09022015). Collection method: clinical testing. Allele origin: germline.
Comment: This sequence change replaces isoleucine, which is neutral and non-polar, with threonine, which is neutral and polar, at codon 285 of the SLC6A5 protein (p.Ile285Thr). This variant is present in population databases (no rsID available, gnomAD 0.01%). This variant has not been reported in the literature in individuals affected with SLC6A5-related conditions. Advanced modeling of protein sequence and biophysical properties (such as structural, functional, and spatial information, amino acid conservation, physicochemical variation, residue mobility, and thermodynamic stability) performed at Invitae indicates that this missense variant is not expected to disrupt SLC6A5 protein function. In summary, the available evidence is currently insufficient to determine the role of this variant in disease. Therefore, it has been classified as a Variant of Uncertain Significance.